The following is an entry in ClinVar:

NM_002470.4(MYH3):c.4204G>A (p.Glu1402Lys)

Gene: MYH3 (myosin heavy chain 3; minus strand). Cytogenetic location: 17p13.1.
Variant type: single nucleotide variant.
Coding change: c.4204G>A on transcript NM_002470.4 (MANE Select); coding-DNA position 4204, G replaced by A.
Protein change: p.Glu1402Lys; replaces glutamic acid 1402 with lysine.
Molecular consequence: missense variant.
Genome position (GRCh38, 1-based): chr17:10,634,992, C>T on the plus strand (G>A on the coding strand, the complement: MYH3 is on the minus strand). VCF-style: chr17-10634992-C-T. GRCh37 (hg19) VCF-style: chr17-10538309-C-T.
Other names: short protein forms E1402K.
Identifiers: ClinVar variation 2171905 (VCV002171905.4), dbSNP rs374733189, ClinGen allele CA8392281.

ClinVar aggregate classification (germline): Uncertain significance (1 of 4 stars; one submission).

Allele frequency attached by ClinVar (database versions not stated): gnomAD exomes below 0.00001; TOPMed below 0.00001; ExAC 0.00002; ESP Exome Variant Server 0.00008.

Submission:

Labcorp Genetics (formerly Invitae), Labcorp
Classification: Uncertain significance. Last evaluated: 2024-12-12. Review status: criteria provided, single submitter. Criteria: Invitae Variant Classification Sherloc (09022015). Collection method: clinical testing. Allele origin: germline.
Comment: This sequence change replaces glutamic acid, which is acidic and polar, with lysine, which is basic and polar, at codon 1402 of the MYH3 protein (p.Glu1402Lys). This variant is present in population databases (rs374733189, gnomAD 0.006%). This variant has not been reported in the literature in individuals affected with MYH3-related conditions. ClinVar contains an entry for this variant (Variation ID: 2171905). Invitae Evidence Modeling of protein sequence and biophysical properties (such as structural, functional, and spatial information, amino acid conservation, physicochemical variation, residue mobility, and thermodynamic stability) indicates that this missense variant is not expected to disrupt MYH3 protein function with a negative predictive value of 95%. In summary, the available evidence is currently insufficient to determine the role of this variant in disease. Therefore, it has been classified as a Variant of Uncertain Significance.